The following is an entry in ClinVar:

ClinVar aggregate classification (germline): Uncertain significance (1 of 4 stars; one submission).

Submission:

Labcorp Genetics (formerly Invitae), Labcorp
Classification: Uncertain significance. Last evaluated: 2025-03-25. Review status: criteria provided, single submitter. Criteria: Invitae Variant Classification Sherloc (09022015). Collection method: clinical testing. Allele origin: germline.
Comment: This sequence change replaces threonine, which is neutral and polar, with serine, which is neutral and polar, at codon 2413 of the PIEZO1 protein (p.Thr2413Ser). This variant is not present in population databases (gnomAD no frequency). This variant has not been reported in the literature in individuals affected with PIEZO1-related conditions. Invitae Evidence Modeling of protein sequence and biophysical properties (such as structural, functional, and spatial information, amino acid conservation, physicochemical variation, residue mobility, and thermodynamic stability) indicates that this missense variant is not expected to disrupt PIEZO1 protein function with a negative predictive value of 80%. In summary, the available evidence is currently insufficient to determine the role of this variant in disease. Therefore, it has been classified as a Variant of Uncertain Significance.

NM_001142864.4(PIEZO1):c.7238C>G (p.Thr2413Ser)

Gene: PIEZO1 (piezo type mechanosensitive ion channel component 1 (Er blood group); minus strand). Cytogenetic location: 16q24.3.
Variant type: single nucleotide variant.
Coding change: c.7238C>G on transcript NM_001142864.4 (MANE Select); coding-DNA position 7238, C replaced by G.
Protein change: p.Thr2413Ser; replaces threonine 2413 with serine.
Molecular consequence: missense variant.
Genome position (GRCh38, 1-based): chr16:88,716,011, G>C on the plus strand (C>G on the coding strand, the complement: PIEZO1 is on the minus strand). VCF-style: chr16-88716011-G-C. GRCh37 (hg19) VCF-style: chr16-88782419-G-C.
Other names: short protein forms T2413S.
Identifiers: ClinVar variation 4761715 (VCV004761715.1).
Genomic context (GRCh38, chr16:88,716,011, plus strand): 5'-CCGAGGCTCGGTGGGCTGACCTTGTCACTGAAAATGACCATGGGCAGCAGGTTGCAGTCG[G>C]TCCGGCACTCCTGCAGCTCGATGACCCACCATTCGAGGAAGCCGGTGGCCCCCGCACCCT-3'
Protein context (NP_001136336.2, residues 2403-2423): WWVIELQECR[Thr2413Ser]DCNLLPMVIF